The following is an entry in ClinVar:

ClinVar aggregate classification (germline): Conflicting classifications of pathogenicity. Review status: criteria provided, conflicting classifications (1 of 4 stars). 6 submissions from 5 submitters: Uncertain significance (2); Likely benign (3). 1 of the submissions does not count toward it. Last evaluated 2025-12-15.

Conditions:
DLL3-related disorder. Also called: DLL3-related condition.
Syndactyly. Also called: Webbed fingers or toes. Identifiers: MedGen C0039075, MONDO:0021002, HP:0001159.
Spondylocostal dysostosis 1, autosomal recessive (SCDO1). Also called: DLL3-Related Spondylocostal Dysostosis, Autosomal Recessive. Identifiers: Orphanet 2311, MedGen CN032975, MONDO:0020692, OMIM 277300.

Allele frequency attached by ClinVar (database versions not stated): gnomAD 0.00024 and 0.00026; TOPMed 0.00029; gnomAD exomes 0.00032 and 0.00045; ExAC 0.00045; ESP Exome Variant Server 0.00054; 1000 Genomes Project 30x 0.00062; 1000 Genomes Project 0.00080.
gnomAD v4.1: 692 of 1,614,040 alleles (0.043%); highest among the groups gnomAD compares: Middle Eastern, 0.099%; no homozygotes.

Submissions (6):

Labcorp Genetics (formerly Invitae), Labcorp
Classification: Likely benign. Last evaluated: 2025-12-15. Review status: criteria provided, single submitter. Criteria: Invitae Variant Classification Sherloc (09022015). Collection method: clinical testing. Allele origin: germline.

Blueprint Genetics
Classification: Likely benign. Last evaluated: 2024-10-02. Review status: criteria provided, single submitter. Criteria: ACMG Guidelines, 2015. Collection method: clinical testing. Allele origin: germline.

GeneDx
Classification: Likely benign. Last evaluated: 2018-02-09. Review status: criteria provided, single submitter. Criteria: GeneDx Variant Classification (06012015). Collection method: clinical testing. Allele origin: germline. Affected: yes.
Comment: This variant is considered likely benign or benign based on one or more of the following criteria: it is a conservative change, it occurs at a poorly conserved position in the protein, it is predicted to be benign by multiple in silico algorithms, and/or has population frequency not consistent with disease.

Illumina Laboratory Services, Illumina
Classification: Uncertain significance for Spondylocostal dysostosis 1, autosomal recessive. Last evaluated: 2018-01-13. Review status: criteria provided, single submitter. Criteria: ICSL Variant Classification Criteria 13 December 2019. Collection method: clinical testing. Allele origin: germline.

Illumina Laboratory Services, Illumina
Classification: Uncertain significance for Non-syndromic syndactyly. Last evaluated: 2018-01-13. Review status: criteria provided, single submitter. Criteria: ICSL Variant Classification Criteria 13 December 2019. Collection method: clinical testing. Allele origin: germline.

PreventionGenetics, part of Exact Sciences
Classification: Likely benign for DLL3-related condition. Last evaluated: 2019-02-22. Review status: no assertion criteria provided. Collection method: clinical testing. Allele origin: germline. Not counted in ClinVar's aggregate classification.
Comment: This variant is classified as likely benign based on ACMG/AMP sequence variant interpretation guidelines (Richards et al. 2015 PMID: 25741868, with internal and published modifications).

NM_203486.3(DLL3):c.1758+57C>T

Gene: DLL3 (delta like canonical Notch ligand 3; plus strand). Cytogenetic location: 19q13.2.
Variant type: single nucleotide variant.
Coding change: c.1758+57C>T on transcript NM_203486.3 (MANE Select); 57 bases into the intron after coding-DNA position 1758, C replaced by T.
Molecular consequence: intron variant. On other transcripts: synonymous variant (1).
Genome position (GRCh38, 1-based): chr19:39,507,971, C>T. VCF-style: chr19-39507971-C-T. GRCh37 (hg19) VCF-style: chr19-39998611-C-T.
Other names: c.1815C>T, p.His605= (NM_016941.4).
Identifiers: ClinVar variation 515510 (VCV000515510.18), dbSNP rs147582946, ClinGen allele CA9432539.